The following is an entry in ClinVar:

ClinVar aggregate classification (germline): Pathogenic/Likely pathogenic. Review status: criteria provided, multiple submitters, no conflicts (2 of 4 stars). 4 submissions from 4 submitters: Pathogenic (2); Likely pathogenic (2). Last evaluated 2025-12-16.

Conditions:
Retinitis pigmentosa 26 (RP26). Identifiers: Orphanet 791, MedGen C1842127, MONDO:0012024, OMIM 608380.
Retinitis pigmentosa (RP). Identifiers: Orphanet 791, MedGen C0035334, MeSH D012174, MONDO:0019200, OMIM 268000. Inheritance: Autosomal dominant, autosomal recessive and X linked inheritance.

Allele frequency attached by ClinVar (database versions not stated): gnomAD exomes below 0.00001; TOPMed below 0.00001; gnomAD 0.00001.
gnomAD v4.1: 2 of 1,612,176 alleles (0.00012%); highest among the groups gnomAD compares: African/African-American, 0.0027%; no homozygotes.

Submissions (4):

Myriad Genetics, Inc.
Classification: Pathogenic for Retinitis pigmentosa 26. Last evaluated: 2025-12-16. Review status: criteria provided, single submitter. Criteria: Myriad Autosomal Dominant, Autosomal Recessive and X-Linked Classification Criteria (2023). Collection method: clinical testing. Allele origin: unknown.
Comment: NM_001030311.2(CERKL):c.526C>T(Q176*) is a nonsense variant classified as pathogenic in the context of retinitis pigmentosa, CERKL-related. Q176* has not been observed in cases with relevant disease. Relevant functional assessments of this variant are not available in the literature. Q176* has not been observed in referenced population frequency databases. In summary, NM_001030311.2(CERKL):c.526C>T(Q176*) is a nonsense variant in a gene where loss of function is a known mechanism of disease and is predicted to disrupt protein function. Please note: this variant was assessed in the context of healthy population screening.

Natera, Inc.
Classification: Likely pathogenic for Retinitis Pigmentosa 26. Last evaluated: 2024-10-02. Review status: criteria provided, single submitter. Criteria: Natera Variant Classification Schema (03/2026). Collection method: clinical testing. Allele origin: germline.
Comment: The c.526C>T variant in CERKL is a nonsense variant predicted to introduce a stop codon at amino acid 176. This variant is expected to result in nonsense mediated decay, truncation, or a dysfunctional protein product. This variant is rare in the general population with a frequency below the threshold expected for the associated phenotype(s). Given the available evidence, this variant is classified as Likely Pathogenic.

Labcorp Genetics (formerly Invitae), Labcorp
Classification: Pathogenic. Last evaluated: 2023-10-30. Review status: criteria provided, single submitter. Criteria: Invitae Variant Classification Sherloc (09022015). Collection method: clinical testing. Allele origin: germline.
Comment: This sequence change creates a premature translational stop signal (p.Gln176*) in the CERKL gene. It is expected to result in an absent or disrupted protein product. Loss-of-function variants in CERKL are known to be pathogenic (PMID: 14681825, 23591405, 24043777). This variant is not present in population databases (gnomAD no frequency). This variant has not been reported in the literature in individuals affected with CERKL-related conditions. ClinVar contains an entry for this variant (Variation ID: 1069741). For these reasons, this variant has been classified as Pathogenic.

Women's Health and Genetics/Laboratory Corporation of America, LabCorp
Classification: Likely pathogenic for Retinitis pigmentosa. Last evaluated: 2023-03-21. Review status: criteria provided, single submitter. Criteria: LabCorp Variant Classification Summary - May 2015. Collection method: clinical testing. Allele origin: germline.
Comment: Variant summary: CERKL c.526C>T (p.Gln176X) results in a premature termination codon, predicted to cause a truncation of the encoded protein or absence of the protein due to nonsense mediated decay, which are commonly known mechanisms for disease. Truncations downstream of this position have been classified as pathogenic by our laboratory. The variant was absent in 250614 control chromosomes (gnomAD). To our knowledge, no occurrence of c.526C>T in individuals affected with Retinitis Pigmentosa and no experimental evidence demonstrating its impact on protein function have been reported. One ClinVar submitter has assessed the variant since 2014: the variant was classified as pathogenic. Based on the evidence outlined above, the variant was classified as likely pathogenic.

Literature cited by the submitters: PubMed 14681825 (cited by Labcorp Genetics (formerly Invitae), Labcorp); PubMed 23591405 (cited by Labcorp Genetics (formerly Invitae), Labcorp); PubMed 24043777 (cited by Labcorp Genetics (formerly Invitae), Labcorp).

NM_201548.5(CERKL):c.526C>T (p.Gln176Ter)

Gene: CERKL (CERK like autophagy regulator; minus strand). Cytogenetic location: 2q31.3.
Variant type: single nucleotide variant.
Coding change: c.526C>T on transcript NM_201548.5 (MANE Select); coding-DNA position 526, C replaced by T.
Protein change: p.Gln176Ter; replaces glutamine 176 with a stop codon.
Molecular consequence: nonsense. On other transcripts: non-coding transcript variant (1), intron variant (2).
Genome position (GRCh38, 1-based): chr2:181,573,840, G>A on the plus strand (C>T on the coding strand, the complement: CERKL is on the minus strand). VCF-style: chr2-181573840-G-A. GRCh37 (hg19) VCF-style: chr2-182438567-G-A.
Other names: c.526C>T, p.Gln176Ter (NM_001030311.3, NM_001030313.3); c.482-24132C>T (NM_001030312.3); c.482-7719C>T (NM_001160277.2); c.526C>T (NM_001030311.2); short protein forms Q176*.
Identifiers: ClinVar variation 1069741 (VCV001069741.11), dbSNP rs988540767, ClinGen allele CA61603448.